The following is an entry in ClinVar:

NM_001739.2(CA5A):c.149C>A (p.Pro50Gln)

Gene: CA5A (carbonic anhydrase 5A; minus strand). Cytogenetic location: 16q24.2.
Variant type: single nucleotide variant.
Coding change: c.149C>A on transcript NM_001739.2 (MANE Select); coding-DNA position 149, C replaced by A.
Protein change: p.Pro50Gln; replaces proline 50 with glutamine.
Molecular consequence: missense variant. On other transcripts: non-coding transcript variant (2).
Genome position (GRCh38, 1-based): chr16:87,926,939, G>T on the plus strand (C>A on the coding strand, the complement: CA5A is on the minus strand). VCF-style: chr16-87926939-G-T. GRCh37 (hg19) VCF-style: chr16-87960545-G-T.
Other names: c.149C>A, p.Pro50Gln (NM_001367225.1); short protein forms P50Q.
Identifiers: ClinVar variation 1948663 (VCV001948663.7), dbSNP rs1173601485, ClinGen allele CA397038544.

ClinVar aggregate classification (germline): Uncertain significance. Review status: criteria provided, multiple submitters, no conflicts (2 of 4 stars). 2 submissions from 2 submitters: Uncertain significance (2). Last evaluated 2025-03-04.

Conditions:
Hyperammonemic encephalopathy due to carbonic anhydrase VA deficiency. Also called: Carbonic Anhydrase VA Deficiency; Carbonic anhydrase VA deficiency, hyperammonemia due to. Identifiers: Orphanet 401948, MedGen C4706871, MONDO:0014332, OMIM 615751.

Allele frequency attached by ClinVar (database versions not stated): gnomAD exomes below 0.00001.

Submissions (2):

Center for Genomic Medicine, Rigshospitalet, Copenhagen University Hospital
Classification: Uncertain significance. Last evaluated: 2025-03-04. Review status: criteria provided, single submitter. Criteria: ACMG Guidelines, 2015. Collection method: clinical testing. Allele origin: germline.

Labcorp Genetics (formerly Invitae), Labcorp
Classification: Uncertain significance for Hyperammonemic encephalopathy due to carbonic anhydrase VA deficiency. Last evaluated: 2022-05-27. Review status: criteria provided, single submitter. Criteria: Invitae Variant Classification Sherloc (09022015). Collection method: clinical testing. Allele origin: germline.
Comment: In summary, the available evidence is currently insufficient to determine the role of this variant in disease. Therefore, it has been classified as a Variant of Uncertain Significance. Algorithms developed to predict the effect of missense changes on protein structure and function are either unavailable or do not agree on the potential impact of this missense change (SIFT: "Deleterious"; PolyPhen-2: "Probably Damaging"; Align-GVGD: "Class C0"). This variant has not been reported in the literature in individuals affected with CA5A-related conditions. The frequency data for this variant in the population databases is considered unreliable, as metrics indicate poor data quality at this position in the gnomAD database. This sequence change replaces proline, which is neutral and non-polar, with glutamine, which is neutral and polar, at codon 50 of the CA5A protein (p.Pro50Gln).